The following is an entry in ClinVar:

NM_000092.5(COL4A4):c.4763G>A (p.Cys1588Tyr)

Gene: COL4A4 (collagen type IV alpha 4 chain; minus strand). Cytogenetic location: 2q36.3.
Variant type: single nucleotide variant.
Coding change: c.4763G>A on transcript NM_000092.5 (MANE Select); coding-DNA position 4763, G replaced by A.
Protein change: p.Cys1588Tyr; replaces cysteine 1588 with tyrosine.
Molecular consequence: missense variant.
Genome position (GRCh38, 1-based): chr2:227,008,064, C>T on the plus strand (G>A on the coding strand, the complement: COL4A4 is on the minus strand). VCF-style: chr2-227008064-C-T. GRCh37 (hg19) VCF-style: chr2-227872780-C-T.
Other names: short protein forms C1588Y.
Identifiers: ClinVar variation 2203271 (VCV002203271.6), dbSNP rs2472603434, ClinGen allele CA351140536.

ClinVar aggregate classification (germline): Conflicting classifications of pathogenicity. Review status: criteria provided, conflicting classifications (1 of 4 stars). 3 submissions from 3 submitters: Likely pathogenic (2); Uncertain significance (1). Last evaluated 2025-10-02.

Conditions:
Alport syndrome. Also called: Hemorrhagic familial nephritis; Hemorrhagic hereditary nephritis; Congenital hereditary hematuria. Identifiers: Orphanet 63, MedGen C1567741, MONDO:0018965.

Submissions (3):

Natera, Inc.
Classification: Likely pathogenic for Alport syndrome. Last evaluated: 2025-10-02. Review status: criteria provided, single submitter. Criteria: Natera Variant Classification Schema (03/2026). Collection method: clinical testing. Allele origin: germline.
Comment: The c.4763G>A variant in COL4A4 is a missense variant predicted to cause substitution of cysteine to tyrosine at amino acid 1588. This variant is rare in the general population with a frequency below the threshold expected for the associated phenotype(s). This variant has been observed in one or more individuals affected with the associated recessive disease, as either homozygous or compound heterozygous with a second variant (PMID: 37097554). This variant has been identified in one or more affected individual with a phenotype highly consistent with the associated gene (PMID: 24052634). Computational prediction algorithms indicate this variant is likely to affect gene or protein function. Given the available evidence, this variant is classified as Likely Pathogenic.

Victorian Clinical Genetics Services, Murdoch Childrens Research Institute
Classification: Likely pathogenic for Alport syndrome. Last evaluated: 2023-07-16. Review status: criteria provided, single submitter. Criteria: ACMG Guidelines, 2015. Collection method: clinical testing. Allele origin: germline. Affected: yes.
Comment: Based on the classification scheme VCGS_Germline_v1.3.4, this variant is classified as Likely pathogenic. Following criteria are met: 0103 - Loss of function is a known mechanism of disease for this gene and is associated with Alport syndrome. Dominant negative is a suspected mechanism of disease for this gene as it is a structural protein (PMIDs: 12028435, 24046192). (I) 0108 - This gene is associated with both recessive and dominant disease. Alport syndrome typically has biallelic inheritance, although rare cases of monoallelic inheritance have been reported (PMID: 28704582). Thin basement mebrane nephropathy (TBMN) and focal segmental glomerulosclerosis (FSGS) are associated with autosomal dominant inheritance (OMIM, PMIDs: 16467446, 17942953). (I) 0200 - Variant is predicted to result in a missense amino acid change from cysteine to tyrosine. (I) 0251 - This variant is heterozygous. (I) 0301 - Variant is absent from gnomAD (both v2 and v3). (SP) 0501 - Missense variant consistently predicted to be damaging by multiple in silico tools or highly conserved with a major amino acid change. (SP) 0601 - Variant is located in the well-established functional carboxy NC domain and affects a cysteine residue that is involved in disulphide bonding (PMID: 33854215). (SP) 0705 - No comparable missense variants have previous evidence for pathogenicity. (I) 0803 - This variant has limited previous evidence of pathogenicity in an unrelated individual. This variant has been observed in one individual with renal failure and hearing loss who also had a frameshift variant in COL4A4 (LOVD, PMID: 24052634). (SP) 1007 - No published functional evidence has been identified for this variant. (I) 1208 - Inheritance information for this variant is not currently available in this individual. (I) Legend: (SP) - Supporting pathogenic, (I) - Information, (SB) - Supporting benign

Labcorp Genetics (formerly Invitae), Labcorp
Classification: Uncertain significance. Last evaluated: 2022-03-31. Review status: criteria provided, single submitter. Criteria: Invitae Variant Classification Sherloc (09022015). Collection method: clinical testing. Allele origin: germline.
Comment: Advanced modeling of protein sequence and biophysical properties (such as structural, functional, and spatial information, amino acid conservation, physicochemical variation, residue mobility, and thermodynamic stability) performed at Invitae indicates that this missense variant is expected to disrupt COL4A4 protein function. This missense change has been observed in individual(s) with clinical features of Alport syndrome (PMID: 24052634). This variant is not present in population databases (gnomAD no frequency). This sequence change replaces cysteine, which is neutral and slightly polar, with tyrosine, which is neutral and polar, at codon 1588 of the COL4A4 protein (p.Cys1588Tyr). In summary, the available evidence is currently insufficient to determine the role of this variant in disease. Therefore, it has been classified as a Variant of Uncertain Significance.

Literature cited by the submitters: PubMed 37097554 (cited by Natera, Inc.); PubMed 24052634 (cited by 3 submitters); PubMed 12028435 (cited by Victorian Clinical Genetics Services, Murdoch Childrens Research Institute); PubMed 16467446 (cited by Victorian Clinical Genetics Services, Murdoch Childrens Research Institute); PubMed 17942953 (cited by Victorian Clinical Genetics Services, Murdoch Childrens Research Institute); PubMed 24046192 (cited by Victorian Clinical Genetics Services, Murdoch Childrens Research Institute); PubMed 28704582 (cited by Victorian Clinical Genetics Services, Murdoch Childrens Research Institute); PubMed 33854215 (cited by Victorian Clinical Genetics Services, Murdoch Childrens Research Institute).